The following is an entry in ClinVar:

NM_007294.4(BRCA1):c.81-3636C>T

Gene: BRCA1 (BRCA1 DNA repair associated; minus strand). Cytogenetic location: 17q21.31.
Variant type: single nucleotide variant.
Coding change: c.81-3636C>T on transcript NM_007294.4 (MANE Select); 3636 bases into the intron before coding-DNA position 81, C replaced by T.
Molecular consequence: intron variant.
Genome position (GRCh38, 1-based): chr17:43,119,415, G>A on the plus strand (C>T on the coding strand, the complement: BRCA1 is on the minus strand). VCF-style: chr17-43119415-G-A. GRCh37 (hg19) VCF-style: chr17-41271432-G-A.
Other names: c.81-3636C>T (NM_001407861.1, NM_001407635.1, NM_001407614.1 and 191 more transcripts); c.-108-3636C>T (NM_001408484.1, NM_001408478.1, NM_001407907.1 and 48 more transcripts); c.-109+2143C>T (NM_001407917.1, NM_001408513.1, NM_001407954.1); c.-62+2143C>T (NM_001408462.1, NM_001407944.1, NM_001407734.1 and 25 more transcripts); c.-224-3636C>T (NM_001408492.1, NM_001407889.1, NM_001407900.1); c.-177-3636C>T (NM_001408468.1, NM_001407842.1, NM_001407749.1 and 12 more transcripts); c.-55+4602C>T (NM_001407902.1, NM_001407898.1, NM_001407881.1); c.-219+5856C>T (NM_001407966.1); and 16 more.
Identifiers: ClinVar variation 1678799 (VCV001678799.3), dbSNP rs140591536, ClinGen allele CA290824598.

ClinVar aggregate classification (germline): Benign/Likely benign. Review status: criteria provided, multiple submitters, no conflicts (2 of 4 stars). 2 submissions from 2 submitters: Benign (1); Likely benign (1). Last evaluated 2021-02-10.

Conditions:
Hereditary cancer-predisposing syndrome. Also called: Hereditary neoplastic syndrome; Neoplastic Syndromes, Hereditary; Tumor predisposition; Hereditary Cancer Syndrome. Identifiers: Orphanet 140162, MedGen C0027672, MeSH D009386, MONDO:0015356.

Allele frequency attached by ClinVar (database versions not stated): gnomAD exomes 0.00009; gnomAD 0.00072 and 0.00078; TOPMed 0.00072; 1000 Genomes Project 30x 0.00141; 1000 Genomes Project 0.00160.
gnomAD v4.1: 117 of 228,414 alleles (0.051%); highest among the groups gnomAD compares: African/African-American, 0.25%; 2 homozygotes.

Submissions (2):

GeneDx
Classification: Likely benign. Last evaluated: 2021-02-10. Review status: criteria provided, single submitter. Criteria: GeneDx Variant Classification Process June 2021. Collection method: clinical testing. Allele origin: germline. Affected: yes.
Comment: See Variant Classification Assertion Criteria.

Sema4
Classification: Benign for Hereditary cancer-predisposing syndrome. Last evaluated: 2020-11-13. Review status: criteria provided, single submitter. Criteria: Sema4 Curation Guidelines. Collection method: curation. Allele origin: germline.